The following is an entry in ClinVar:

NM_001042702.5(PJVK):c.983G>A (p.Cys328Tyr)

Gene: PJVK (pejvakin; plus strand). Cytogenetic location: 2q31.2.
Variant type: single nucleotide variant.
Coding change: c.983G>A on transcript NM_001042702.5 (MANE Select); coding-DNA position 983, G replaced by A.
Protein change: p.Cys328Tyr; replaces cysteine 328 with tyrosine.
Molecular consequence: missense variant.
Genome position (GRCh38, 1-based): chr2:178,461,198, G>A. VCF-style: chr2-178461198-G-A. GRCh37 (hg19) VCF-style: chr2-179325925-G-A.
Other names: c.992G>A, p.Cys331Tyr (NM_001353775.2); c.989G>A, p.Cys330Tyr (NM_001353776.2); c.506G>A, p.Cys169Tyr (NM_001353777.1, NM_001353778.2); c.983G>A, p.Cys328Tyr (NM_001369912.1); short protein forms C328Y, C330Y, C331Y, C169Y.
Identifiers: ClinVar variation 178848 (VCV000178848.4), dbSNP rs727504487, ClinGen allele CA183149.

ClinVar aggregate classification (germline): Uncertain significance (1 of 4 stars; one submission).

Submission:

Laboratory for Molecular Medicine, Mass General Brigham Personalized Medicine
Classification: Uncertain significance. Last evaluated: 2013-04-16. Review status: criteria provided, single submitter. Criteria: LMM Criteria. Collection method: clinical testing. Allele origin: germline. Observed: 1 variant allele.
Comment: The Cys328Tyr variant in DFNB59 has not been reported in individuals affected wi th hearing loss or in large population studies. Computational analyses (biochemi cal amino acid properties, conservation, PolyPhen2, and SIFT) suggest that the C ys328Tyr variant may impact the protein, though this information is not predicti ve enough to determine pathogenicity. In summary, additional data is needed to d etermine the clinical significance of this variant.